The following is an entry in ClinVar:

NM_001734.5(C1S):c.2000G>A (p.Arg667Gln)

Gene: C1S (complement C1s; plus strand). Cytogenetic location: 12p13.31.
Variant type: single nucleotide variant.
Coding change: c.2000G>A on transcript NM_001734.5 (MANE Select); coding-DNA position 2000, G replaced by A.
Protein change: p.Arg667Gln; replaces arginine 667 with glutamine.
Molecular consequence: missense variant.
Genome position (GRCh38, 1-based): chr12:7,070,584, G>A. VCF-style: chr12-7070584-G-A. GRCh37 (hg19) VCF-style: chr12-7177888-G-A.
Other names: c.1499G>A, p.Arg500Gln (NM_001346850.2); c.2000G>A, p.Arg667Gln (NM_201442.4); short protein forms R500Q, R667Q.
Identifiers: ClinVar variation 1364519 (VCV001364519.8), dbSNP rs782101819, ClinGen allele CA6423870.

ClinVar aggregate classification (germline): Uncertain significance (1 of 4 stars; one submission).

Allele frequency attached by ClinVar (database versions not stated): TOPMed 0.00001; gnomAD 0.00002; ExAC 0.00003; gnomAD exomes 0.00003.
gnomAD v4.1: 15 of 1,613,992 alleles (0.00093%); highest among the groups gnomAD compares: Admixed American, 0.013%; no homozygotes.

Submission:

Labcorp Genetics (formerly Invitae), Labcorp
Classification: Uncertain significance. Last evaluated: 2023-03-27. Review status: criteria provided, single submitter. Criteria: Invitae Variant Classification Sherloc (09022015). Collection method: clinical testing. Allele origin: germline.
Comment: This sequence change replaces arginine, which is basic and polar, with glutamine, which is neutral and polar, at codon 667 of the C1S protein (p.Arg667Gln). This variant is present in population databases (rs782101819, gnomAD 0.009%). This variant has not been reported in the literature in individuals affected with C1S-related conditions. ClinVar contains an entry for this variant (Variation ID: 1364519). Advanced modeling of protein sequence and biophysical properties (such as structural, functional, and spatial information, amino acid conservation, physicochemical variation, residue mobility, and thermodynamic stability) performed at Invitae indicates that this missense variant is not expected to disrupt C1S protein function. In summary, the available evidence is currently insufficient to determine the role of this variant in disease. Therefore, it has been classified as a Variant of Uncertain Significance.